The following is an entry in ClinVar:

ClinVar aggregate classification (germline): Likely benign (0 of 4 stars; one submission).

Conditions:
PEX26-related disorder. Also called: PEX26-related condition.

Submission:

PreventionGenetics, part of Exact Sciences
Classification: Likely benign for PEX26-related condition. Last evaluated: 2023-11-13. Review status: no assertion criteria provided. Collection method: clinical testing. Allele origin: germline.
Comment: This variant is classified as likely benign based on ACMG/AMP sequence variant interpretation guidelines (Richards et al. 2015 PMID: 25741868, with internal and published modifications).

NM_001127649.3(PEX26):c.87G>T (p.Pro29=)

Gene: PEX26 (peroxisomal biogenesis factor 26; plus strand). Cytogenetic location: 22q11.21.
Variant type: single nucleotide variant.
Coding change: c.87G>T on transcript NM_001127649.3 (MANE Select); coding-DNA position 87, G replaced by T.
Protein change: p.Pro29=; no amino-acid change (proline 29 retained).
Molecular consequence: synonymous variant.
Genome position (GRCh38, 1-based): chr22:18,078,463, G>T. VCF-style: chr22-18078463-G-T. GRCh37 (hg19) VCF-style: chr22-18561229-G-T.
Other names: c.87G>T, p.Pro29= (NM_001199319.2, NM_017929.6).
Identifiers: ClinVar variation 3050381 (VCV003050381.2), dbSNP rs759221571, ClinGen allele CA513184873.